The following is an entry in ClinVar:

ClinVar aggregate classification (germline): Likely pathogenic (1 of 4 stars; one submission).

Conditions:
Dilated cardiomyopathy 1G (CMD1G). Identifiers: Orphanet 154, MedGen C1858763, MONDO:0011400, OMIM 604145.
Autosomal recessive limb-girdle muscular dystrophy type 2J (LGMDR10). Also called: Limb-girdle muscular dystrophy, type 2J; MUSCULAR DYSTROPHY, LIMB-GIRDLE, AUTOSOMAL RECESSIVE 10. Identifiers: Orphanet 140922, MedGen C1837342, MONDO:0012127, OMIM 608807.

Submission:

Labcorp Genetics (formerly Invitae), Labcorp
Classification: Likely pathogenic for Dilated cardiomyopathy 1G; Autosomal recessive limb-girdle muscular dystrophy type 2J. Last evaluated: 2024-10-18. Review status: criteria provided, single submitter. Criteria: Invitae Variant Classification Sherloc (09022015). Collection method: clinical testing. Allele origin: germline.
Comment: This sequence change creates a premature translational stop signal (p.Thr7938Hisfs*16) in the TTN gene. While this is not anticipated to result in nonsense mediated decay, it is expected to create a truncated TTN protein. This variant is not present in population databases (gnomAD no frequency). This variant has not been reported in the literature in individuals affected with TTN-related conditions. This variant is located in the I band of TTN (PMID: 25589632). Truncating variants in this region have been reported in individuals affected with autosomal recessive centronuclear myopathy (PMID: 23975875, internal data). Truncating variants in this region have also been identified in individuals affected with autosomal dominant dilated cardiomyopathy and/or cardio-related conditions (PMID: 27869827, 32964742, internal data). In summary, the currently available evidence indicates that the variant is pathogenic, but additional data are needed to prove that conclusively. Therefore, this variant has been classified as Likely Pathogenic.

Literature cited by the submitters: PubMed 25589632; PubMed 23975875; PubMed 27869827; PubMed 32964742.

NM_001267550.2(TTN):c.23811del (p.Thr7938fs)

Gene: TTN (titin; minus strand). Cytogenetic location: 2q31.2.
Variant type: Deletion.
Coding change: c.23811del on transcript NM_001267550.2 (MANE Select); coding-DNA position 23811, one base deleted (T; older notation c.23811delT).
Protein change: p.Thr7938fs; shifts the reading frame from threonine 7938.
Molecular consequence: frameshift variant. On other transcripts: intron variant (3).
Genome position (GRCh38, 1-based): chr2:178,719,681, A deleted on the plus strand (T on the coding strand, the reverse complement: TTN is on the minus strand); the first of 2 consecutive A bases (chr2:178,719,681-178,719,682); deleting either gives the same sequence. VCF-style (leftmost placement, unchanged base first): chr2-178719680-TA-T. GRCh37 (hg19) VCF-style: chr2-179584407-TA-T.
Other names: c.22860del, p.Thr7621fs (NM_001256850.1); c.20079del, p.Thr6694fs (NM_133378.4); c.13282+18401del (NM_003319.4); c.13858+18401del (NM_133437.4); c.13657+18401del (NM_133432.3); short protein forms T7621fs, T7938fs, T6694fs.
Identifiers: ClinVar variation 2947465 (VCV002947465.3), dbSNP rs2529305655, ClinGen allele CA2740090979.